The following is an entry in ClinVar:

NM_152384.3(BBS5):c.556_557delinsTA (p.Arg186Ter)

Gene: BBS5 (Bardet-Biedl syndrome 5; plus strand). Cytogenetic location: 2q31.1.
Variant type: Indel.
Coding change: c.556_557delinsTA on transcript NM_152384.3 (MANE Select); coding-DNA positions 556 to 557, AG replaced by TA.
Protein change: p.Arg186Ter; replaces arginine 186 with a stop codon.
Molecular consequence: nonsense.
Genome position (GRCh38, 1-based): chr2:169,493,774-169,493,775, AG replaced by TA. VCF-style: chr2-169493774-AG-TA. GRCh37 (hg19) VCF-style: chr2-170350284-AG-TA.
Other names: short protein forms R186*.
Identifiers: ClinVar variation 2866613 (VCV002866613.3), dbSNP rs2468042360, ClinGen allele CA2739271611.

ClinVar aggregate classification (germline): Pathogenic (1 of 4 stars; one submission).

Conditions:
Bardet-Biedl syndrome (BBS). Identifiers: Orphanet 110, MedGen C0752166, MONDO:0015229.

Submission:

Labcorp Genetics (formerly Invitae), Labcorp
Classification: Pathogenic for Bardet-Biedl syndrome. Last evaluated: 2023-05-21. Review status: criteria provided, single submitter. Criteria: Invitae Variant Classification Sherloc (09022015). Collection method: clinical testing. Allele origin: germline.
Comment: For these reasons, this variant has been classified as Pathogenic. This variant has not been reported in the literature in individuals affected with BBS5-related conditions. Information on the frequency of this variant in the gnomAD database is not available, as this variant may be reported differently in the database. This sequence change creates a premature translational stop signal (p.Arg186*) in the BBS5 gene. It is expected to result in an absent or disrupted protein product. Loss-of-function variants in BBS5 are known to be pathogenic (PMID: 15137946, 16877420, 26325687, 27708425, 28041643, 29806606).

Literature cited by the submitters: PubMed 15137946; PubMed 16877420; PubMed 26325687; PubMed 27708425; PubMed 28041643; PubMed 29806606.